The following is an entry in ClinVar:

ClinVar aggregate classification (germline): Likely pathogenic (0 of 4 stars; one submission).

Conditions:
Pyruvate dehydrogenase E1-alpha deficiency (PDHAD). Also called: ATAXIA, INTERMITTENT, WITH PYRUVATE DEHYDROGENASE DEFICIENCY; ATAXIA WITH LACTIC ACIDOSIS I; ATAXIA, INTERMITTENT, WITH ABNORMAL PYRUVATE METABOLISM; Ataxia, intermittent, with pyruvate dehydrogenase, or decarboxylase, deficiency. Identifiers: Orphanet 79243, MedGen C1839413, MONDO:0010717, OMIM 312170.

Submission:

PDHA1 Study Group, University Children’s Hospital, Paracelsus Medical University
Classification: Likely pathogenic for Pyruvate dehydrogenase E1-alpha deficiency. Last evaluated: 2024-10-15. Review status: no assertion criteria provided. Collection method: research. Allele origin: germline. Affected: yes. Observed: 1 variant allele.
Comment: The NM_000284.3:c.1057G>A (p.Ala353Thr) substitution is a missense variant in PDHA1 gene. The variant has been reported in 1 published case (PMIDs: 27894792). Last literature search: July 12, 2024. This variant is absent or extremely rare in population-based cohorts in the Genome Aggregation Database (gnomAD). Individuals harboring this variant presented with clinical features compatible with PDHA1-related PDHc deficiency. In summary, this variant meets criteria to be classified as likely pathogenic (LP) for PDHA1-related PDHc deficiency based on the ACMG/AMP criteria applied: PM1, PM2, PP3, PP4 (last assessment October 15, 2024).

Literature cited by the submitters: PubMed 27894792; DOI 10.1093/brain/awaf430.

NM_000284.4(PDHA1):c.1057G>A (p.Ala353Thr)

Gene: PDHA1 (pyruvate dehydrogenase E1 subunit alpha 1; plus strand). Cytogenetic location: Xp22.12.
Variant type: single nucleotide variant.
Coding change: c.1057G>A on transcript NM_000284.4 (MANE Select); coding-DNA position 1057, G replaced by A.
Protein change: p.Ala353Thr; replaces alanine 353 with threonine.
Molecular consequence: missense variant.
Genome position (GRCh38, 1-based): chrX:19,359,537, G>A. VCF-style: chrX-19359537-G-A. GRCh37 (hg19) VCF-style: chrX-19377655-G-A.
Other names: c.1171G>A, p.Ala391Thr (NM_001173454.2); c.1078G>A, p.Ala360Thr (NM_001173455.2); c.964G>A, p.Ala322Thr (NM_001173456.2); short protein forms A322T, A353T, A360T, A391T.
Identifiers: ClinVar variation 4070434 (VCV004070434.1).
Genomic context (GRCh38, chrX:19,359,537, plus strand): 5'-CCTAATTTTTAGGAAATTGATGTGGAAGTGAGGAAGGAGATTGAGGATGCTGCCCAGTTT[G>A]CCACGGCCGATCCTGAGCCACCTTTGGAAGAGCTGGGCTACCACATCTACTCCAGCGACC-3'
Protein context (NP_000275.1, residues 343-363): RKEIEDAAQF[Ala353Thr]TADPEPPLEE